The following is an entry in ClinVar:

NM_172107.4(KCNQ2):c.1997C>T (p.Pro666Leu)

Gene: KCNQ2 (potassium voltage-gated channel subfamily Q member 2; minus strand). Cytogenetic location: 20q13.33.
Variant type: single nucleotide variant.
Coding change: c.1997C>T on transcript NM_172107.4 (MANE Select); coding-DNA position 1997, C replaced by T.
Protein change: p.Pro666Leu; replaces proline 666 with leucine.
Molecular consequence: missense variant.
Genome position (GRCh38, 1-based): chr20:63,407,266, G>A on the plus strand (C>T on the coding strand, the complement: KCNQ2 is on the minus strand). VCF-style: chr20-63407266-G-A. GRCh37 (hg19) VCF-style: chr20-62038619-G-A.
Other names: c.1913C>T, p.Pro638Leu (NM_004518.6); c.1943C>T, p.Pro648Leu (NM_172106.3); c.1904C>T, p.Pro635Leu (NM_172108.5); short protein forms P638L, P635L, P666L, P648L.
Identifiers: ClinVar variation 803618 (VCV000803618.20), dbSNP rs762130930, ClinGen allele CA9958178.
Genomic context (GRCh38, chr20:63,407,266, plus strand): 5'-ATGCAGCCGTGCCTGTCGACATGCTCCCGGCTGTCTTCCGGGCTGTGGTACGGCGGCGCC[G>A]GCTCCGGCTCTTTGGCCCCAAAGTAGGCCTCGGTCTCTGTCGGGGGGATGCCCATCCGCT-3'
Protein context (NP_742105.1, residues 656-676): EAYFGAKEPE[Pro666Leu]APPYHSPEDS

ClinVar aggregate classification (germline): Conflicting classifications of pathogenicity. Review status: criteria provided, conflicting classifications (1 of 4 stars). 6 submissions from 6 submitters: Uncertain significance (4); Likely benign (2). Last evaluated 2025-12-23.

Conditions:
Inborn genetic diseases. Identifiers: MedGen C0950123, MeSH D030342.
Early-infantile DEE. Also called: Ohtahara syndrome; Early infantile epileptic encephalopathy with suppression bursts; Early infantile epileptic encephalopathy. Identifiers: Orphanet 1934, MedGen C0393706, MONDO:0800491.
Developmental and epileptic encephalopathy, 7 (DEE7). Also called: Early infantile epileptic encephalopathy 7; KCNQ2-Related Neonatal Epileptic Encephalopathy; KCNQ2-Related Neonatal-Onset Developmental and Epileptic Encephalopathy (NEO-DEE). Identifiers: Orphanet 439218, MedGen C3150986, MONDO:0013387, OMIM 613720.
Seizures, benign familial neonatal, 1. Also called: Benign Neonatal Epilepsy 1; Seizures, benign neonatal, 1; KCNQ2-Related Benign Familial Neonatal Epilepsy; KCNQ2-Related Self-Limited Familial Neonatal Epilepsy (SLFNE). Identifiers: Orphanet 1949, MedGen C3149074, MONDO:0007365, OMIM 121200.

Allele frequency attached by ClinVar (database versions not stated): ExAC 0.00001; gnomAD exomes below 0.00001.
gnomAD v4.1: 19 of 1,596,826 alleles (0.0012%); highest among the groups gnomAD compares: South Asian, 0.0022%; no homozygotes.

Submissions (6):

Labcorp Genetics (formerly Invitae), Labcorp
Classification: Uncertain significance for Early-infantile DEE. Last evaluated: 2025-12-23. Review status: criteria provided, single submitter. Criteria: Invitae Variant Classification Sherloc (09022015). Collection method: clinical testing. Allele origin: germline.
Comment: This sequence change replaces proline, which is neutral and non-polar, with leucine, which is neutral and non-polar, at codon 666 of the KCNQ2 protein (p.Pro666Leu). This variant is present in population databases (rs762130930, gnomAD 0.0009%). This missense change has been observed in individual(s) with KCNQ2-related conditions (PMID: 35813072). ClinVar contains an entry for this variant (Variation ID: 803618). Invitae Evidence Modeling of protein sequence and biophysical properties (such as structural, functional, and spatial information, amino acid conservation, physicochemical variation, residue mobility, and thermodynamic stability) indicates that this missense variant is expected to disrupt KCNQ2 protein function with a positive predictive value of 95%. In summary, the available evidence is currently insufficient to determine the role of this variant in disease. Therefore, it has been classified as a Variant of Uncertain Significance.

Ambry Genetics
Classification: Uncertain significance for Inborn genetic diseases. Last evaluated: 2025-12-05. Review status: criteria provided, single submitter. Criteria: Ambry Variant Classification Scheme 2023. Collection method: clinical testing. Allele origin: germline.
Comment: The c.1997C>T (p.P666L) alteration is located in exon 17 (coding exon 17) of the KCNQ2 gene. This alteration results from a C to T substitution at nucleotide position 1997, causing the proline (P) at amino acid position 666 to be replaced by a leucine (L). Based on data from gnomAD, the T allele has an overall frequency of <0.001% (1/233434) total alleles studied. The highest observed frequency was 0.001% (1/108578) of European (non-Finnish) alleles. Based on insufficient or conflicting evidence, the clinical significance of this alteration remains unclear.

Dasa
Classification: Uncertain significance. Last evaluated: 2025-07-16. Review status: criteria provided, single submitter. Criteria: DASA Assertion Criteria. Collection method: clinical testing. Allele origin: germline.
Comment: NM_172107.4(KCNQ2):c.1997C>T (p.Pro666Leu) is a missense variant that results in the substitution of proline with leucine. This variant has been reported in individuals with KCNQ2-related disorders. Also, this variant is rare in population databases. The currently available literature and clinical evidence are not sufficient to establish a definitive association between this variant and the reported condition. Therefore, this variant is classified as a variant of uncertain significance.

Unidad de Genómica Garrahan, Hospital de Pediatría Garrahan
Classification: Likely benign. Last evaluated: 2024-01-11. Review status: criteria provided, single submitter. Criteria: ACMG Guidelines, 2015. Collection method: clinical testing. Allele origin: germline. Affected: yes.

Centre for Mendelian Genomics, University Medical Centre Ljubljana
Classification: Uncertain significance for Developmental and epileptic encephalopathy, 7. Last evaluated: 2020-03-17. Review status: criteria provided, single submitter. Criteria: ACMG Guidelines, 2015. Collection method: clinical testing. Allele origin: unknown. Affected: yes.
Comment: This variant was classified as: Uncertain significance. The following ACMG criteria were applied in classifying this variant: PM2,PP2,PP3.

Mendelics
Classification: Likely benign for Seizures, benign familial neonatal, 1. Last evaluated: 2019-05-28. Review status: criteria provided, single submitter. Criteria: Mendelics Assertion Criteria 2017. Collection method: clinical testing. Allele origin: unknown.

Literature cited by the submitters: PubMed 35813072 (cited by Labcorp Genetics (formerly Invitae), Labcorp and Ambry Genetics).